The following is an entry in ClinVar:

ClinVar aggregate classification (germline): Uncertain significance (1 of 4 stars; one submission).

Conditions:
Hypertrophic cardiomyopathy 11. Also called: ACTC1-Related Familial Hypertrophic Cardiomyopathy. Identifiers: MedGen C2677506, MONDO:0012799, OMIM 612098.
Dilated cardiomyopathy 1R (CMD1R). Identifiers: Orphanet 154, Orphanet 54260, MedGen C3150681, MONDO:0013261, OMIM 613424.
Atrial septal defect 5 (ASD5). Identifiers: Orphanet 1478, MedGen C2748552, MONDO:0013011, OMIM 612794.

Submission:

Labcorp Genetics (formerly Invitae), Labcorp
Classification: Uncertain significance for Dilated cardiomyopathy 1R; Hypertrophic cardiomyopathy 11; Atrial septal defect 5. Last evaluated: 2023-02-06. Review status: criteria provided, single submitter. Criteria: Invitae Variant Classification Sherloc (09022015). Collection method: clinical testing. Allele origin: germline.
Comment: In summary, the available evidence is currently insufficient to determine the role of this variant in disease. Therefore, it has been classified as a Variant of Uncertain Significance. Advanced modeling of protein sequence and biophysical properties (such as structural, functional, and spatial information, amino acid conservation, physicochemical variation, residue mobility, and thermodynamic stability) performed at Invitae indicates that this missense variant is expected to disrupt ACTC1 protein function. This variant has not been reported in the literature in individuals affected with ACTC1-related conditions. This variant is not present in population databases (gnomAD no frequency). This sequence change replaces glycine, which is neutral and non-polar, with arginine, which is basic and polar, at codon 15 of the ACTC1 protein (p.Gly15Arg).

NM_005159.5(ACTC1):c.43G>C (p.Gly15Arg)

Genes: ACTC1 (actin alpha cardiac muscle 1; minus strand), GJD2-DT (GJD2 divergent transcript; plus strand). Cytogenetic location: 15q14.
Variant type: single nucleotide variant.
Coding change: c.43G>C on transcript NM_005159.5 (MANE Select); coding-DNA position 43, G replaced by C.
Protein change: p.Gly15Arg; replaces glycine 15 with arginine.
Molecular consequence: missense variant.
Genome position (GRCh38, 1-based): chr15:34,794,766, C>G on the plus strand (G>C on the coding strand, the complement: ACTC1 is on the minus strand). VCF-style: chr15-34794766-C-G. GRCh37 (hg19) VCF-style: chr15-35086967-C-G.
Other names: c.43G>C, p.Gly15Arg (NM_001406482.1, NM_001406483.1); short protein forms G15R.
Identifiers: ClinVar variation 2943996 (VCV002943996.3), dbSNP rs2504185628, ClinGen allele CA391633353.